The following is an entry in ClinVar:

NM_020549.5(CHAT):c.1635-3C>G

Gene: CHAT (choline O-acetyltransferase; plus strand). Cytogenetic location: 10q11.23.
Variant type: single nucleotide variant.
Coding change: c.1635-3C>G on transcript NM_020549.5 (MANE Select); 3 bases into the intron before coding-DNA position 1635, C replaced by G.
Molecular consequence: intron variant.
Genome position (GRCh38, 1-based): chr10:49,655,092, C>G. VCF-style: chr10-49655092-C-G. GRCh37 (hg19) VCF-style: chr10-50863138-C-G.
Other names: c.1281-3C>G (NM_020984.4, NM_020985.4, NM_020986.4 and 2 more transcripts); c.1389-3C>G (NM_001142933.2).
Identifiers: ClinVar variation 836347 (VCV000836347.5), dbSNP rs761868634, ClinGen allele CA5497578.
Genomic context (GRCh38, chr10:49,655,092, plus strand): 5'-TTCCGAGTTTATGATTTCCCAAGAATAAATTACCATGTGCCATTCATCCTTCATCCCACG[C>G]AGGCTCCATCGAAGACTGGTGCCCACCTACGAGAGCGCGTCCATCCGCCGATTCCAGGAG-3'

ClinVar aggregate classification (germline): Uncertain significance (1 of 4 stars; one submission).

Conditions:
Familial infantile myasthenia (CMS6). Also called: MYASTHENIC SYNDROME, PRESYNAPTIC, CONGENITAL, ASSOCIATED WITH EPISODIC APNEA; Congenital myasthenic syndrome type 6; MYASTHENIC SYNDROME, CONGENITAL, 6, PRESYNAPTIC. Identifiers: Orphanet 590, MedGen C0393929, MONDO:0009689, OMIM 254210.

Allele frequency attached by ClinVar (database versions not stated): ExAC 0.00003; gnomAD exomes 0.00004 and 0.00005; TOPMed 0.00006; gnomAD 0.00008 and 0.00009.
gnomAD v4.1: 86 of 1,614,032 alleles (0.0053%); highest among the groups gnomAD compares: Non-Finnish European, 0.0073%; no homozygotes.

Submission:

Labcorp Genetics (formerly Invitae), Labcorp
Classification: Uncertain significance for Familial infantile myasthenia. Last evaluated: 2022-10-18. Review status: criteria provided, single submitter. Criteria: Invitae Variant Classification Sherloc (09022015). Collection method: clinical testing. Allele origin: germline.
Comment: This sequence change falls in intron 11 of the CHAT gene. It does not directly change the encoded amino acid sequence of the CHAT protein. It affects a nucleotide within the consensus splice site. This variant is present in population databases (rs761868634, gnomAD 0.009%). This variant has not been reported in the literature in individuals affected with CHAT-related conditions. ClinVar contains an entry for this variant (Variation ID: 836347). Variants that disrupt the consensus splice site are a relatively common cause of aberrant splicing (PMID: 17576681, 9536098). Algorithms developed to predict the effect of sequence changes on RNA splicing suggest that this variant is not likely to affect RNA splicing. In summary, the available evidence is currently insufficient to determine the role of this variant in disease. Therefore, it has been classified as a Variant of Uncertain Significance.

Literature cited by the submitters: PubMed 17576681; PubMed 9536098.